The following is an entry in ClinVar:

NM_138694.4(PKHD1):c.6617_6620delinsATAAAGACAGT (p.Phe2206fs)

Gene: PKHD1 (PKHD1 ciliary IPT domain containing fibrocystin/polyductin; minus strand). Cytogenetic location: 6p12.2.
Variant type: Indel.
Coding change: c.6617_6620delinsATAAAGACAGT on transcript NM_138694.4 (MANE Select); coding-DNA positions 6617 to 6620, TTCA replaced by ATAAAGACAGT.
Protein change: p.Phe2206fs; shifts the reading frame from phenylalanine 2206.
Molecular consequence: frameshift variant.
Genome position (GRCh38, 1-based): chr6:51,909,345-51,909,348, TGAA replaced by ACTGTCTTTAT on the plus strand (TTCA replaced by ATAAAGACAGT on the coding strand, the reverse complement: PKHD1 is on the minus strand). VCF-style: chr6-51909345-TGAA-ACTGTCTTTAT. GRCh37 (hg19) VCF-style: chr6-51774143-TGAA-ACTGTCTTTAT.
Other names: c.6617_6620delinsATAAAGACAGT, p.Phe2206fs (NM_170724.3); short protein forms F2206fs.
Identifiers: ClinVar variation 1725566 (VCV001725566.2), dbSNP rs2536622666, ClinGen allele CA2580075474.

ClinVar aggregate classification (germline): Likely pathogenic (1 of 4 stars; one submission).

Conditions:
Polycystic kidney disease 4 (PKD4). Also called: POLYCYSTIC KIDNEY AND HEPATIC DISEASE 1; POLYCYSTIC KIDNEY DISEASE, INFANTILE, TYPE I; POLYCYSTIC KIDNEY DISEASE 4 WITH OR WITHOUT POLYCYSTIC LIVER DISEASE; PKD3; Autosomal Recessive Polycystic Kidney Disease – PKHD1. Identifiers: MedGen C4540575, MONDO:0033004, OMIM 263200.

Submission:

Myriad Genetics, Inc.
Classification: Likely pathogenic for Polycystic kidney disease 4. Last evaluated: 2022-03-30. Review status: criteria provided, single submitter. Criteria: Myriad Women's Health Autosomal Recessive and X-Linked Classification Criteria (2021). Collection method: clinical testing. Allele origin: unknown.
Comment: NM_138694.3(PKHD1):c.6617_6620del4ins11(F2206Yfs*12) is expected to be pathogenic in the context of autosomal recessive polycystic kidney disease, PKHD1-related. This variant is predicted to lead to an abnormal or absent protein product due to the creation of a premature termination codon in PKHD1, a gene where loss-of-function variants are known to be pathogenic. Please note: this variant was assessed in the context of healthy population screening.